The following is an entry in ClinVar:

NM_001377.3(DYNC2H1):c.1614G>C (p.Trp538Cys)

Gene: DYNC2H1 (dynein cytoplasmic 2 heavy chain 1; plus strand). Cytogenetic location: 11q22.3.
Variant type: single nucleotide variant.
Coding change: c.1614G>C on transcript NM_001377.3 (MANE Select); coding-DNA position 1614, G replaced by C.
Protein change: p.Trp538Cys; replaces tryptophan 538 with cysteine.
Molecular consequence: missense variant.
Genome position (GRCh38, 1-based): chr11:103,122,953, G>C. VCF-style: chr11-103122953-G-C. GRCh37 (hg19) VCF-style: chr11-102993682-G-C.
Other names: c.1614G>C (NM_001080463.1); c.1614G>C, p.Trp538Cys (NM_001080463.2); short protein forms W538C.
Identifiers: ClinVar variation 2091381 (VCV002091381.5), dbSNP rs1858795121, ClinGen allele CA382253571.

ClinVar aggregate classification (germline): Uncertain significance. Review status: criteria provided, multiple submitters, no conflicts (2 of 4 stars). 2 submissions from 2 submitters: Uncertain significance (2). Last evaluated 2025-06-18.

Conditions:
Inborn genetic diseases. Identifiers: MedGen C0950123, MeSH D030342.
Jeune thoracic dystrophy. Also called: Short-rib thoracic dysplasia; Jeune syndrome; Infantile thoracic dystrophy; Thoracic pelvic phalangeal dystrophy; Jeune's syndrome; Chondroectodermal dysplasia-like syndrome. Identifiers: Orphanet 474, MedGen C0265275, MONDO:0018770.

Allele frequency attached by ClinVar (database versions not stated): gnomAD exomes below 0.00001; gnomAD 0.00001.
gnomAD v4.1: 3 of 1,596,402 alleles (0.00019%); highest among the groups gnomAD compares: African/African-American, 0.0027%; no homozygotes.

Submissions (2):

Ambry Genetics
Classification: Uncertain significance for Inborn genetic diseases. Last evaluated: 2025-06-18. Review status: criteria provided, single submitter. Criteria: Ambry Variant Classification Scheme 2023. Collection method: clinical testing. Allele origin: germline.

Labcorp Genetics (formerly Invitae), Labcorp
Classification: Uncertain significance for Jeune thoracic dystrophy. Last evaluated: 2024-12-16. Review status: criteria provided, single submitter. Criteria: Invitae Variant Classification Sherloc (09022015). Collection method: clinical testing. Allele origin: germline.
Comment: This sequence change replaces tryptophan, which is neutral and slightly polar, with cysteine, which is neutral and slightly polar, at codon 538 of the DYNC2H1 protein (p.Trp538Cys). This variant is not present in population databases (gnomAD no frequency). This variant has not been reported in the literature in individuals affected with DYNC2H1-related conditions. ClinVar contains an entry for this variant (Variation ID: 2091381). Invitae Evidence Modeling of protein sequence and biophysical properties (such as structural, functional, and spatial information, amino acid conservation, physicochemical variation, residue mobility, and thermodynamic stability) indicates that this missense variant is expected to disrupt DYNC2H1 protein function with a positive predictive value of 95%. In summary, the available evidence is currently insufficient to determine the role of this variant in disease. Therefore, it has been classified as a Variant of Uncertain Significance.